The following is an entry in ClinVar:

ClinVar aggregate classification (germline): Uncertain significance. Review status: criteria provided, multiple submitters, no conflicts (2 of 4 stars). 2 submissions from 2 submitters: Uncertain significance (2). Last evaluated 2024-07-01.

Conditions:
Long QT syndrome (LQTS). Identifiers: MedGen C0023976, MeSH D008133, MONDO:0002442. Disease mechanism: loss of function. Inheritance: Various modes of inheritance.
Cardiovascular phenotype. Identifiers: MedGen CN230736.

Allele frequency attached by ClinVar (database versions not stated): gnomAD exomes below 0.00001; TOPMed below 0.00001; gnomAD 0.00001.

Submissions (2):

Labcorp Genetics (formerly Invitae), Labcorp
Classification: Uncertain significance for Long QT syndrome. Last evaluated: 2024-07-01. Review status: criteria provided, single submitter. Criteria: Invitae Variant Classification Sherloc (09022015). Collection method: clinical testing. Allele origin: germline.
Comment: This sequence change replaces histidine, which is basic and polar, with tyrosine, which is neutral and polar, at codon 1366 of the AKAP9 protein (p.His1366Tyr). This variant is present in population databases (no rsID available, gnomAD 0.01%). This variant has not been reported in the literature in individuals affected with AKAP9-related conditions. ClinVar contains an entry for this variant (Variation ID: 2084773). An algorithm developed to predict the effect of missense changes on protein structure and function (PolyPhen-2) suggests that this variant is likely to be tolerated. In summary, the available evidence is currently insufficient to determine the role of this variant in disease. Therefore, it has been classified as a Variant of Uncertain Significance.

Ambry Genetics
Classification: Uncertain significance for Cardiovascular phenotype. Last evaluated: 2024-01-29. Review status: criteria provided, single submitter. Criteria: Ambry Variant Classification Scheme 2023. Collection method: clinical testing. Allele origin: germline.
Comment: The p.H1366Y variant (also known as c.4096C>T), located in coding exon 14 of the AKAP9 gene, results from a C to T substitution at nucleotide position 4096. The histidine at codon 1366 is replaced by tyrosine, an amino acid with similar properties. This amino acid position is conserved. In addition, this alteration is predicted to be tolerated by in silico analysis. Based on the available evidence, the clinical significance of this alteration remains unclear.

NM_005751.5(AKAP9):c.4096C>T (p.His1366Tyr)

Gene: AKAP9 (A-kinase anchoring protein 9; plus strand). Cytogenetic location: 7q21.2.
Variant type: single nucleotide variant.
Coding change: c.4096C>T on transcript NM_005751.5 (MANE Select); coding-DNA position 4096, C replaced by T.
Protein change: p.His1366Tyr; replaces histidine 1366 with tyrosine.
Molecular consequence: missense variant.
Genome position (GRCh38, 1-based): chr7:92,022,957, C>T. VCF-style: chr7-92022957-C-T. GRCh37 (hg19) VCF-style: chr7-91652271-C-T.
Other names: c.4096C>T, p.His1366Tyr (NM_147185.3); short protein forms H1366Y.
Identifiers: ClinVar variation 2084773 (VCV002084773.5), dbSNP rs993488428, ClinGen allele CA161888109.